The following is an entry in ClinVar:

ClinVar aggregate classification (germline): Uncertain significance (1 of 4 stars; one submission).

Submission:

GeneDx
Classification: Uncertain significance. Last evaluated: 2022-11-10. Review status: criteria provided, single submitter. Criteria: GeneDx Variant Classification Process June 2021. Collection method: clinical testing. Allele origin: germline. Affected: yes.
Comment: Not observed at significant frequency in large population cohorts (gnomAD); In silico analysis supports that this missense variant has a deleterious effect on protein structure/function; Has not been previously published as pathogenic or benign to our knowledge

NM_014927.5(CNKSR2):c.1093G>A (p.Asp365Asn)

Gene: CNKSR2 (connector enhancer of kinase suppressor of Ras 2; plus strand). Cytogenetic location: Xp22.12.
Variant type: single nucleotide variant.
Coding change: c.1093G>A on transcript NM_014927.5 (MANE Select); coding-DNA position 1093, G replaced by A.
Protein change: p.Asp365Asn; replaces aspartic acid 365 with asparagine.
Molecular consequence: missense variant.
Genome position (GRCh38, 1-based): chrX:21,531,857, G>A. VCF-style: chrX-21531857-G-A. GRCh37 (hg19) VCF-style: chrX-21549975-G-A.
Other names: c.1093G>A, p.Asp365Asn (NM_001168647.3, NM_001168648.3, NM_001330773.2); c.946G>A, p.Asp316Asn (NM_001168649.3, NM_001330770.2, NM_001330771.2 and 1 more transcripts); short protein forms D316N, D365N.
Identifiers: ClinVar variation 2501833 (VCV002501833.1), dbSNP rs2091889230, ClinGen allele CA412551003.